The following is an entry in ClinVar:

ClinVar aggregate classification (germline): Uncertain significance (1 of 4 stars; one submission).

Conditions:
Acyl-CoA oxidase deficiency. Also called: Pseudoneonatal adrenoleukodystrophy; STRAIGHT-CHAIN ACYL-CoA OXIDASE DEFICIENCY; Peroxisomal acyl-CoA oxidase deficiency. Identifiers: Orphanet 2971, MedGen C1849678, MONDO:0009919, OMIM 264470. Disease mechanism: loss of function.

gnomAD v4.1: 5 of 1,614,188 alleles (0.00031%); highest among the groups gnomAD compares: East Asian, 0.0045%; no homozygotes.

Submission:

Labcorp Genetics (formerly Invitae), Labcorp
Classification: Uncertain significance for Acyl-CoA oxidase deficiency. Last evaluated: 2024-04-14. Review status: criteria provided, single submitter. Criteria: Invitae Variant Classification Sherloc (09022015). Collection method: clinical testing. Allele origin: germline.
Comment: This sequence change replaces asparagine, which is neutral and polar, with serine, which is neutral and polar, at codon 244 of the ACOX1 protein (p.Asn244Ser). This variant is present in population databases (rs752885559, gnomAD 0.01%). This variant has not been reported in the literature in individuals affected with ACOX1-related conditions. Advanced modeling of protein sequence and biophysical properties (such as structural, functional, and spatial information, amino acid conservation, physicochemical variation, residue mobility, and thermodynamic stability) performed at Invitae indicates that this missense variant is not expected to disrupt ACOX1 protein function with a negative predictive value of 80%. In summary, the available evidence is currently insufficient to determine the role of this variant in disease. Therefore, it has been classified as a Variant of Uncertain Significance.

NM_004035.7(ACOX1):c.731A>G (p.Asn244Ser)

Gene: ACOX1 (acyl-CoA oxidase 1; minus strand). Cytogenetic location: 17q25.1.
Variant type: single nucleotide variant.
Coding change: c.731A>G on transcript NM_004035.7 (MANE Select); coding-DNA position 731, A replaced by G.
Protein change: p.Asn244Ser; replaces asparagine 244 with serine.
Molecular consequence: missense variant.
Genome position (GRCh38, 1-based): chr17:75,955,609, T>C on the plus strand (A>G on the coding strand, the complement: ACOX1 is on the minus strand). VCF-style: chr17-75955609-T-C. GRCh37 (hg19) VCF-style: chr17-73951690-T-C.
Other names: c.617A>G, p.Asn206Ser (NM_001185039.2); c.731A>G, p.Asn244Ser (NM_007292.6); short protein forms N206S, N244S.
Identifiers: ClinVar variation 3623929 (VCV003623929.2).
Genomic context (GRCh38, chr17:75,955,609, plus strand): 5'-TTTCTATCAAAACATACCTGGGCATACTTCATCAGCATGTTTTCTCTGGGAATACGATGG[T>C]TGTCCATTTTGAGGTAGCCATTGTCTATCTCATCATAACCAAATTTGGGGCCGATGTCAC-3'
Protein context (NP_004026.2, residues 234-254): EIDNGYLKMD[Asn244Ser]HRIPRENMLM